The following is an entry in ClinVar:

ClinVar aggregate classification (germline): Uncertain significance. Review status: criteria provided, multiple submitters, no conflicts (2 of 4 stars). 2 submissions from 2 submitters: Uncertain significance (2). Last evaluated 2024-07-26.

Submissions (2):

GeneDx
Classification: Uncertain significance. Last evaluated: 2024-07-26. Review status: criteria provided, single submitter. Criteria: GeneDx Variant Classification Process June 2021. Collection method: clinical testing. Allele origin: germline. Affected: yes.
Comment: Not observed at significant frequency in large population cohorts (gnomAD); In silico analysis supports that this missense variant has a deleterious effect on protein structure/function; Has not been previously published as pathogenic or benign to our knowledge

Labcorp Genetics (formerly Invitae), Labcorp
Classification: Uncertain significance. Last evaluated: 2023-11-27. Review status: criteria provided, single submitter. Criteria: Invitae Variant Classification Sherloc (09022015). Collection method: clinical testing. Allele origin: germline.
Comment: This sequence change replaces leucine, which is neutral and non-polar, with proline, which is neutral and non-polar, at codon 139 of the PPP2R5D protein (p.Leu139Pro). This variant is not present in population databases (gnomAD no frequency). This variant has not been reported in the literature in individuals affected with PPP2R5D-related conditions. An algorithm developed to predict the effect of missense changes on protein structure and function (PolyPhen-2) suggests that this variant is likely to be disruptive. In summary, the available evidence is currently insufficient to determine the role of this variant in disease. Therefore, it has been classified as a Variant of Uncertain Significance.

NM_006245.4(PPP2R5D):c.416T>C (p.Leu139Pro)

Gene: PPP2R5D (protein phosphatase 2 regulatory subunit B'delta; plus strand). Cytogenetic location: 6p21.1.
Variant type: single nucleotide variant.
Coding change: c.416T>C on transcript NM_006245.4 (MANE Select); coding-DNA position 416, T replaced by C.
Protein change: p.Leu139Pro; replaces leucine 139 with proline.
Molecular consequence: missense variant. On other transcripts: 5 prime UTR variant (1).
Genome position (GRCh38, 1-based): chr6:43,007,004, T>C. VCF-style: chr6-43007004-T-C. GRCh37 (hg19) VCF-style: chr6-42974742-T-C.
Other names: c.416T>C (NM_006245.3); c.-38T>C (NM_001270476.2); c.320T>C, p.Leu107Pro (NM_180976.3); c.98T>C, p.Leu33Pro (NM_180977.3); short protein forms L107P, L139P, L33P.
Identifiers: ClinVar variation 2718865 (VCV002718865.4), dbSNP rs2532473982, ClinGen allele CA364182868.